The following is an entry in ClinVar:

ClinVar aggregate classification (germline): Uncertain significance (0 of 4 stars; one submission).

Conditions:
FRMD5-related condition.

gnomAD v4.1: 12 of 1,550,418 alleles (0.00077%); highest among the groups gnomAD compares: Non-Finnish European, 0.001%; no homozygotes.

Submission:

PreventionGenetics, part of Exact Sciences
Classification: Uncertain significance for FRMD5-related condition. Last evaluated: 2024-08-29. Review status: no assertion criteria provided. Collection method: clinical testing. Allele origin: germline.
Comment: The FRMD5 c.1513C>T variant is predicted to result in premature protein termination (p.Gln505*). To our knowledge, this variant has not been reported in the literature or in a large population database, indicating this variant is rare. To date, nonsense variants in FRMD5 have not been reported to be disease-causing. At this time, the clinical significance of this variant is uncertain due to the absence of conclusive functional and genetic evidence.

NM_032892.5(FRMD5):c.*696C>T

Gene: FRMD5 (FERM domain containing 5; minus strand). Cytogenetic location: 15q15.3.
Variant type: single nucleotide variant.
Coding change: c.*696C>T on transcript NM_032892.5 (MANE Select); 696 bases downstream of the stop codon, C replaced by T.
Molecular consequence: 3 prime UTR variant. On other transcripts: nonsense (3), non-coding transcript variant (1).
Genome position (GRCh38, 1-based): chr15:43,873,189, G>A on the plus strand (C>T on the coding strand, the complement: FRMD5 is on the minus strand). VCF-style: chr15-43873189-G-A. GRCh37 (hg19) VCF-style: chr15-44165387-G-A.
Other names: c.*703C>T (NM_001286490.2, NM_001322950.2); c.*696C>T (NM_001286491.2); c.1513C>T, p.Gln505Ter (NM_001322949.2, NM_001411124.1); c.1408C>T, p.Gln470Ter (NM_001322951.2); short protein forms Q470*, Q505*.
Identifiers: ClinVar variation 3344373 (VCV003344373.1).